The following is an entry in ClinVar:

ClinVar aggregate classification (germline): Uncertain significance (1 of 4 stars; one submission).

Conditions:
Hereditary spastic paraplegia 2 (SPG2). Also called: SPASTIC PARAPLEGIA 2, X-LINKED; Spastic Paraplegia 2 (SPG2). Identifiers: Orphanet 99015, MedGen C0751604, MONDO:0010733, OMIM 312920.

Allele frequency attached by ClinVar (database versions not stated): TOPMed below 0.00001; gnomAD 0.00002.
gnomAD v4.1: 2 of 1,207,586 alleles (0.00017%); highest among the groups gnomAD compares: African/African-American, 0.0035%; no homozygotes.

Submission:

Labcorp Genetics (formerly Invitae), Labcorp
Classification: Uncertain significance for Hereditary spastic paraplegia 2. Last evaluated: 2024-09-16. Review status: criteria provided, single submitter. Criteria: Invitae Variant Classification Sherloc (09022015). Collection method: clinical testing. Allele origin: germline.
Comment: This sequence change replaces phenylalanine, which is neutral and non-polar, with leucine, which is neutral and non-polar, at codon 68 of the PLP1 protein (p.Phe68Leu). This variant is not present in population databases (gnomAD no frequency). This variant has not been reported in the literature in individuals affected with PLP1-related conditions. ClinVar contains an entry for this variant (Variation ID: 1473023). Invitae Evidence Modeling of protein sequence and biophysical properties (such as structural, functional, and spatial information, amino acid conservation, physicochemical variation, residue mobility, and thermodynamic stability) indicates that this missense variant is not expected to disrupt PLP1 protein function with a negative predictive value of 80%. In summary, the available evidence is currently insufficient to determine the role of this variant in disease. Therefore, it has been classified as a Variant of Uncertain Significance.

NM_000533.5(PLP1):c.202T>C (p.Phe68Leu)

Genes: PLP1 (proteolipid protein 1; plus strand), RAB9B (RAB9B, member RAS oncogene family; minus strand). Cytogenetic location: Xq22.2.
Variant type: single nucleotide variant.
Coding change: c.202T>C on transcript NM_000533.5 (MANE Select); coding-DNA position 202, T replaced by C.
Protein change: p.Phe68Leu; replaces phenylalanine 68 with leucine.
Molecular consequence: missense variant.
Genome position (GRCh38, 1-based): chrX:103,786,475, T>C. VCF-style: chrX-103786475-T-C. GRCh37 (hg19) VCF-style: chrX-103041404-T-C.
Other names: c.202T>C, p.Phe68Leu (NM_001128834.3, NM_199478.3); c.37T>C, p.Phe13Leu (NM_001305004.1); short protein forms F13L, F68L.
Identifiers: ClinVar variation 1473023 (VCV001473023.5), dbSNP rs1483853759, ClinGen allele CA414102416.